The following is an entry in ClinVar:

ClinVar aggregate classification (germline): Pathogenic. Review status: criteria provided, single submitter (1 of 4 stars). 2 submissions from 2 submitters: Pathogenic (1). 1 of the submissions does not count toward it. Last evaluated 2026-01-07.

Conditions:
Neurofibromatosis, type 1 (NF1). Also called: Neurofibromatosis, type I; NEUROFIBROMATOSIS, TYPE I, SOMATIC; VON RECKLINGHAUSEN DISEASE; Peripheral type neurofibromatosis. Identifiers: Orphanet 636, MedGen C0027831, MONDO:0018975, OMIM 162200. Disease mechanism: loss of function.

Submissions (2):

Labcorp Genetics (formerly Invitae), Labcorp
Classification: Pathogenic for Neurofibromatosis, type 1. Last evaluated: 2026-01-07. Review status: criteria provided, single submitter. Criteria: Invitae Variant Classification Sherloc (09022015). Collection method: clinical testing. Allele origin: germline.
Comment: This sequence change creates a premature translational stop signal (p.Leu2048*) in the NF1 gene. It is expected to result in an absent or disrupted protein product. Loss-of-function variants in NF1 are known to be pathogenic (PMID: 10712197, 23913538). This variant is not present in population databases (gnomAD no frequency). This variant has not been reported in the literature in individuals affected with NF1-related conditions. ClinVar contains an entry for this variant (Variation ID: 1676724). For these reasons, this variant has been classified as Pathogenic.

Department of Dermatology, Xinhua Hospital, Shanghai Jiao Tong University of Medicine
Classification: Pathogenic for Neurofibromatosis, type 1. Last evaluated: 2022-04-18. Review status: no assertion criteria provided. Collection method: research. Allele origin: germline. Inheritance: Autosomal dominant inheritance. Affected: yes. Observed: 1 heterozygote. Not counted in ClinVar's aggregate classification.
Comment: The c.6143T>G variant in NF1 was absent from population variation database, leading to a premature termination codon and are prone to nonsense-mediated mRNA decay. In addition, the nucleotide is predicted to be high conserved by phastCons and PhyloP. Patient’s phenotype and family history is highly specific for neurofibromatosis type 1 with a single genetic etiology. In summary, the variant meets our criteria to be calssified as pathogenic (PVS1+PM2+PP3+PP4) accroding to standards and guidelines for the interpretation of sequence variants of American College of Medical Genetics and Genomics (ACMG)(Richards et al., 2015).

Literature cited by the submitters: PubMed 10712197 (cited by Labcorp Genetics (formerly Invitae), Labcorp); PubMed 23913538 (cited by Labcorp Genetics (formerly Invitae), Labcorp).

NM_001042492.3(NF1):c.6206T>G (p.Leu2069Ter)

Gene: NF1 (neurofibromin 1; plus strand). Cytogenetic location: 17q11.2.
Variant type: single nucleotide variant.
Coding change: c.6206T>G on transcript NM_001042492.3 (MANE Select); coding-DNA position 6206, T replaced by G.
Protein change: p.Leu2069Ter; replaces leucine 2069 with a stop codon.
Molecular consequence: nonsense.
Genome position (GRCh38, 1-based): chr17:31,336,693, T>G. VCF-style: chr17-31336693-T-G. GRCh37 (hg19) VCF-style: chr17-29663711-T-G.
Other names: c.6143T>G, p.Leu2048Ter (NM_000267.4); short protein forms L2048*, L2069*.
Identifiers: ClinVar variation 1676724 (VCV001676724.8), dbSNP rs2151554452, ClinGen allele CA399011888.